The following is an entry in ClinVar:

ClinVar aggregate classification (germline): Uncertain significance. Review status: criteria provided, multiple submitters, no conflicts (2 of 4 stars). 3 submissions from 3 submitters: Uncertain significance (2). 1 of the submissions does not count toward it. Last evaluated 2026-02-11.

Conditions:
USP53-related disorder. Also called: USP53-related condition.
Premature menopause. Identifiers: MedGen C0025322, MONDO:0001119.

Allele frequency attached by ClinVar (database versions not stated): ESP Exome Variant Server 0.00017; gnomAD 0.00019; gnomAD exomes 0.00019 and 0.00026; ExAC 0.00024; TOPMed 0.00017.
gnomAD v4.1: 309 of 1,613,628 alleles (0.019%); highest among the groups gnomAD compares: Non-Finnish European, 0.02%; no homozygotes.

Submissions (4):

PreventionGenetics, part of Exact Sciences
Classification: Uncertain significance for USP53-related condition. Last evaluated: 2026-02-11. Review status: criteria provided, single submitter. Criteria: ACMG Guidelines, 2015. Collection method: clinical testing. Allele origin: germline.
Comment: The USP53 c.1253G>A variant is predicted to result in the amino acid substitution p.Arg418Gln. This variant was reported in the compound heterozygous state in an individual with premature ovarian insufficiency (Supplementary file 3, Tucker et al. 2019. PubMed ID: 30924587). Of note, this patient also carried variants in the SOX3 and UBR4 genes. This variant is reported in 0.19% of alleles in individuals of Ashkenazi Jewish descent in gnomAD, which is likely too common to be a primary cause of disease. Although we suspect this variant is benign, at this time, the clinical significance of this variant is uncertain due to the absence of conclusive functional and genetic evidence.

Labcorp Genetics (formerly Invitae), Labcorp
Classification: Uncertain significance. Last evaluated: 2024-10-31. Review status: criteria provided, single submitter. Criteria: Invitae Variant Classification Sherloc (09022015). Collection method: clinical testing. Allele origin: germline.
Comment: This sequence change replaces arginine, which is basic and polar, with glutamine, which is neutral and polar, at codon 418 of the USP53 protein (p.Arg418Gln). This variant is present in population databases (rs201142048, gnomAD 0.2%). This variant has not been reported in the literature in individuals affected with USP53-related conditions. ClinVar contains an entry for this variant (Variation ID: 619051). Invitae Evidence Modeling of protein sequence and biophysical properties (such as structural, functional, and spatial information, amino acid conservation, physicochemical variation, residue mobility, and thermodynamic stability) indicates that this missense variant is not expected to disrupt USP53 protein function with a negative predictive value of 80%. In summary, the available evidence is currently insufficient to determine the role of this variant in disease. Therefore, it has been classified as a Variant of Uncertain Significance.

Reproductive Development, Murdoch Childrens Research Institute
Classification: Uncertain significance for Premature ovarian insufficiency. Last evaluated: 2018-01-10. Review status: no assertion criteria provided. Criteria: ACMG Guidelines, 2015. Collection method: research. Allele origin: maternal. Affected: yes. Not counted in ClinVar's aggregate classification.

Dr. Peter K. Rogan Lab, Western University
No classification provided (evidence only). Condition: Colorectal cancer. Review status: no classification provided. Collection method: in vitro. Allele origin: not applicable. Functional consequence: skipped exon. Not counted in ClinVar's aggregate classification.

NM_001371395.1(USP53):c.1253G>A (p.Arg418Gln)

Gene: USP53 (ubiquitin specific peptidase 53; plus strand). Cytogenetic location: 4q26.
Variant type: single nucleotide variant.
Coding change: c.1253G>A on transcript NM_001371395.1 (MANE Select); coding-DNA position 1253, G replaced by A.
Protein change: p.Arg418Gln; replaces arginine 418 with glutamine.
Molecular consequence: missense variant. On other transcripts: intron variant (4).
Genome position (GRCh38, 1-based): chr4:119,268,385, G>A. VCF-style: chr4-119268385-G-A. GRCh37 (hg19) VCF-style: chr4-120189540-G-A.
Other names: c.905G>A, p.Arg302Gln (NM_001389663.1, NM_001389664.1, NM_001389666.1 and 1 more transcripts); c.1253G>A, p.Arg418Gln (NM_019050.3, NM_001371397.1, NM_001371398.1 and 3 more transcripts); c.1135+903G>A (NM_001389661.1, NM_001371396.1); c.787+903G>A (NM_001389667.1, NM_001389665.1); c.1103G>A, p.Arg368Gln (NM_001389660.1); short protein forms R418Q, R302Q, R368Q.
Identifiers: ClinVar variation 619051 (VCV000619051.5), dbSNP rs201142048, ClinGen allele CA3059109.